The following is an entry in ClinVar:

ClinVar aggregate classification (germline): Likely pathogenic (1 of 4 stars; one submission).

Conditions:
Glutathione synthetase deficiency with 5-oxoprolinuria. Also called: Reduced glutathione synthetase level; Gluthathione synthetase deficiency; 5-OXOPROLINURIA DUE TO GLUTATHIONE SYNTHETASE DEFICIENCY; PYROGLUTAMIC ACIDURIA; 5-Oxoprolinuria. Identifiers: Orphanet 289846, MedGen C0398746, MONDO:0009947, OMIM 266130, HP:0003343.

Allele frequency attached by ClinVar (database versions not stated): gnomAD exomes below 0.00001; TOPMed below 0.00001.
gnomAD v4.1: 6 of 1,613,804 alleles (0.00037%); highest among the groups gnomAD compares: Non-Finnish European, 0.00042%; no homozygotes.

Submission:

Labcorp Genetics (formerly Invitae), Labcorp
Classification: Likely pathogenic for Glutathione synthetase deficiency with 5-oxoprolinuria. Last evaluated: 2025-06-02. Review status: criteria provided, single submitter. Criteria: Invitae Variant Classification Sherloc (09022015). Collection method: clinical testing. Allele origin: germline.
Comment: This sequence change affects an acceptor splice site in intron 10 of the GSS gene. It is expected to disrupt RNA splicing. Variants that disrupt the donor or acceptor splice site typically lead to a loss of protein function (PMID: 16199547), and loss-of-function variants in GSS are known to be pathogenic (PMID: 12638941, 15717202). This variant is not present in population databases (gnomAD no frequency). This variant has not been reported in the literature in individuals affected with GSS-related conditions. ClinVar contains an entry for this variant (Variation ID: 863066). Algorithms developed to predict the effect of sequence changes on RNA splicing suggest that this variant may disrupt the consensus splice site. In summary, the currently available evidence indicates that the variant is pathogenic, but additional data are needed to prove that conclusively. Therefore, this variant has been classified as Likely Pathogenic.

Literature cited by the submitters: PubMed 16199547; PubMed 12638941; PubMed 15717202.

NM_000178.4(GSS):c.1030-1G>C

Gene: GSS (glutathione synthetase; minus strand). Cytogenetic location: 20q11.22.
Variant type: single nucleotide variant.
Coding change: c.1030-1G>C on transcript NM_000178.4 (MANE Select); the canonical splice acceptor site of the intron before coding-DNA position 1030, G replaced by C.
Molecular consequence: splice acceptor variant.
Genome position (GRCh38, 1-based): chr20:34,931,418, C>G on the plus strand (G>C on the coding strand, the complement: GSS is on the minus strand). VCF-style: chr20-34931418-C-G. GRCh37 (hg19) VCF-style: chr20-33519221-C-G.
Other names: c.1030-1G>C (NM_001322494.1, NM_001322495.1).
Identifiers: ClinVar variation 863066 (VCV000863066.8), dbSNP rs2081400664, ClinGen allele CA408700993.